The following is an entry in ClinVar:

NM_001621.5(AHR):c.2234C>G (p.Pro745Arg)

Gene: AHR (aryl hydrocarbon receptor; plus strand). Cytogenetic location: 7p21.1.
Variant type: single nucleotide variant.
Coding change: c.2234C>G on transcript NM_001621.5 (MANE Select); coding-DNA position 2234, C replaced by G.
Protein change: p.Pro745Arg; replaces proline 745 with arginine.
Molecular consequence: missense variant.
Genome position (GRCh38, 1-based): chr7:17,340,059, C>G. VCF-style: chr7-17340059-C-G. GRCh37 (hg19) VCF-style: chr7-17379683-C-G.
Other names: short protein forms P745R.
Identifiers: ClinVar variation 954442 (VCV000954442.9), dbSNP rs780199912, ClinGen allele CA4172246.

ClinVar aggregate classification (germline): Uncertain significance (1 of 4 stars; one submission).

Allele frequency attached by ClinVar (database versions not stated): gnomAD exomes below 0.00001; ExAC 0.00001; gnomAD 0.00001; TOPMed 0.00001.
gnomAD v4.1: 3 of 1,614,098 alleles (0.00019%); highest among the groups gnomAD compares: African/African-American, 0.004%; no homozygotes.

Submission:

Labcorp Genetics (formerly Invitae), Labcorp
Classification: Uncertain significance. Last evaluated: 2019-10-22. Review status: criteria provided, single submitter. Criteria: Invitae Variant Classification Sherloc (09022015). Collection method: clinical testing. Allele origin: germline.
Comment: In summary, the available evidence is currently insufficient to determine the role of this variant in disease. Therefore, it has been classified as a Variant of Uncertain Significance. Algorithms developed to predict the effect of missense changes on protein structure and function (SIFT, PolyPhen-2, Align-GVGD) all suggest that this variant is likely to be tolerated, but these predictions have not been confirmed by published functional studies and their clinical significance is uncertain. This variant has not been reported in the literature in individuals with AHR-related conditions. This variant is present in population databases (rs780199912, ExAC 0.01%). This sequence change replaces proline with arginine at codon 745 of the AHR protein (p.Pro745Arg). The proline residue is moderately conserved and there is a moderate physicochemical difference between proline and arginine.